The following is an entry in ClinVar:

ClinVar aggregate classification (germline): Pathogenic (1 of 4 stars; one submission).

Submission:

Labcorp Genetics (formerly Invitae), Labcorp
Classification: Pathogenic. Last evaluated: 2023-07-22. Review status: criteria provided, single submitter. Criteria: Invitae Variant Classification Sherloc (09022015). Collection method: clinical testing. Allele origin: germline.
Comment: For these reasons, this variant has been classified as Pathogenic. This variant has not been reported in the literature in individuals affected with ALOX12B-related conditions. This variant is not present in population databases (gnomAD no frequency). This sequence change creates a premature translational stop signal (p.Leu340Profs*34) in the ALOX12B gene. It is expected to result in an absent or disrupted protein product. Loss-of-function variants in ALOX12B are known to be pathogenic (PMID: 16116617, 23621129, 31046801).

Literature cited by the submitters: PubMed 16116617; PubMed 23621129; PubMed 31046801.

NM_001139.3(ALOX12B):c.1018dup (p.Leu340fs)

Gene: ALOX12B (arachidonate 12-lipoxygenase, 12R type; minus strand). Cytogenetic location: 17p13.1.
Variant type: Duplication.
Coding change: c.1018dup on transcript NM_001139.3 (MANE Select); coding-DNA position 1018, one base duplicated (C; older notation c.1018dupC).
Protein change: p.Leu340fs; shifts the reading frame from leucine 340.
Molecular consequence: frameshift variant.
Genome position (GRCh38, 1-based): chr17:8,079,449, G duplicated on the plus strand (C on the coding strand, the reverse complement: ALOX12B is on the minus strand); the first of 6 consecutive G bases (chr17:8,079,449-8,079,454); duplicating any one gives the same sequence. VCF-style (leftmost placement, unchanged base first): chr17-8079448-A-AG. GRCh37 (hg19) VCF-style: chr17-7982766-A-AG.
Other names: short protein forms L340fs.
Identifiers: ClinVar variation 2797660 (VCV002797660.3), dbSNP rs1285636957, ClinGen allele CA775584651.